The following is an entry in ClinVar:

NM_006031.6(PCNT):c.4580G>A (p.Gly1527Glu)

Gene: PCNT (pericentrin; plus strand). Cytogenetic location: 21q22.3.
Variant type: single nucleotide variant.
Coding change: c.4580G>A on transcript NM_006031.6 (MANE Select); coding-DNA position 4580, G replaced by A.
Protein change: p.Gly1527Glu; replaces glycine 1527 with glutamic acid.
Molecular consequence: missense variant.
Genome position (GRCh38, 1-based): chr21:46,398,251, G>A. VCF-style: chr21-46398251-G-A. GRCh37 (hg19) VCF-style: chr21-47818165-G-A.
Other names: c.4226G>A, p.Gly1409Glu (NM_001315529.2); short protein forms G1527E, G1409E.
Identifiers: ClinVar variation 4981524 (VCV004981524.1).

ClinVar aggregate classification (germline): Uncertain significance (1 of 4 stars; one submission).

Conditions:
PCNT-related disorder. Also called: PCNT-related condition.

gnomAD v4.1: 1 of 1,605,686 alleles (0.000062%); highest among the groups gnomAD compares: Admixed American, 0.0017%; no homozygotes.

Submission:

PreventionGenetics, part of Exact Sciences
Classification: Uncertain significance for PCNT-related condition. Last evaluated: 2024-11-09. Review status: criteria provided, single submitter. Criteria: ACMG Guidelines, 2015. Collection method: clinical testing. Allele origin: germline.
Comment: The PCNT c.4580G>A variant is predicted to result in the amino acid substitution p.Gly1527Glu. To our knowledge, this variant has not been reported in the literature. This variant is reported in 0.0% of alleles in individuals of African descent in gnomAD. At this time, the clinical significance of this variant is uncertain due to the absence of conclusive functional and genetic evidence.